The following is an entry in ClinVar:

NM_000214.3(JAG1):c.2559C>T (p.Ala853=)

Gene: JAG1 (jagged canonical Notch ligand 1; minus strand). Cytogenetic location: 20p12.2.
Variant type: single nucleotide variant.
Coding change: c.2559C>T on transcript NM_000214.3 (MANE Select); coding-DNA position 2559, C replaced by T.
Protein change: p.Ala853=; no amino-acid change (alanine 853 retained).
Molecular consequence: synonymous variant.
Genome position (GRCh38, 1-based): chr20:10,642,501, G>A on the plus strand (C>T on the coding strand, the complement: JAG1 is on the minus strand). VCF-style: chr20-10642501-G-A. GRCh37 (hg19) VCF-style: chr20-10623149-G-A.
Other names: c.2559C>T, p.Ala853= (LRG_1191t1).
Identifiers: ClinVar variation 167201 (VCV000167201.44), dbSNP rs201234393, ClinGen allele CA234137.
Genomic context (GRCh38, chr20:10,642,501, plus strand): 5'-CGCTCACCCCAGAAGACCCATGGGCAGCTGAAGCCTGGCACACATACCTTCCTGGCACTT[G>A]GCACCACTGTGCCCTGGAGGGCAGACACACCGGTAGCCATTGATCTCATCCACACAGGTC-3'
Protein context (NP_000205.1, residues 843-863): RCVCPPGHSG[Ala853=]KCQEVSGRPC

ClinVar aggregate classification (germline): Benign/Likely benign. Review status: criteria provided, multiple submitters, no conflicts (2 of 4 stars). 6 submissions from 6 submitters: Benign (4); Likely benign (2). Last evaluated 2025-12-01.

Conditions:
Alagille syndrome due to a JAG1 point mutation. Also called: Alagille Syndrome 1; JAG1-Related Alagille Syndrome; HEPATIC DUCTULAR HYPOPLASIA, SYNDROMATIC. Identifiers: Orphanet 261619, Orphanet 52, MedGen C1956125, MONDO:0016862, OMIM 118450.
Tetralogy of Fallot (TOF). Identifiers: Orphanet 3303, MedGen C0039685, MONDO:0008542, OMIM 187500, HP:0001636.
Deafness, congenital heart defects, and posterior embryotoxon (DCHE). Identifiers: MedGen C1866053, MONDO:0060713, OMIM 617992.
Charcot-Marie-Tooth disease, axonal, Type 2HH. Also called: CHARCOT-MARIE-TOOTH NEUROPATHY, TYPE 2HH. Identifiers: MedGen C5562003, MONDO:0030458, OMIM 619574.
Cardiovascular phenotype. Identifiers: MedGen CN230736.

Allele frequency attached by ClinVar (database versions not stated): gnomAD 0.00001 and 0.00051; TOPMed 0.00007; gnomAD exomes 0.00158; ExAC 0.00179; 1000 Genomes Project 0.00280; 1000 Genomes Project 30x 0.00281.

Submissions (6):

Labcorp Genetics (formerly Invitae), Labcorp
Classification: Benign for Alagille syndrome due to a JAG1 point mutation. Last evaluated: 2025-12-01. Review status: criteria provided, single submitter. Criteria: Invitae Variant Classification Sherloc (09022015). Collection method: clinical testing. Allele origin: germline.

CeGaT Center for Human Genetics Tuebingen
Classification: Benign. Last evaluated: 2023-03-01. Review status: criteria provided, single submitter. Criteria: CeGaT Center For Human Genetics Tuebingen Variant Classification Criteria Version 2. Collection method: clinical testing. Allele origin: germline. Affected: yes. Observed: 1 variant allele.
Comment: JAG1: BP4, BP7, BS1, BS2

Ambry Genetics
Classification: Likely benign for Cardiovascular phenotype. Last evaluated: 2022-08-29. Review status: criteria provided, single submitter. Criteria: Ambry Variant Classification Scheme 2023. Collection method: clinical testing. Allele origin: germline.

Fulgent Genetics
Classification: Benign for Alagille syndrome due to a JAG1 point mutation; Tetralogy of Fallot; Deafness, congenital heart defects, and posterior embryotoxon; Charcot-Marie-Tooth disease, axonal, Type 2HH. Last evaluated: 2021-08-20. Review status: criteria provided, single submitter. Criteria: ACMG Guidelines, 2015. Collection method: clinical testing. Allele origin: unknown.

GeneDx
Classification: Likely benign. Last evaluated: 2021-05-19. Review status: criteria provided, single submitter. Criteria: GeneDx Variant Classification Process June 2021. Collection method: clinical testing. Allele origin: germline. Affected: yes.

Eurofins Ntd Llc (ga)
Classification: Benign. Last evaluated: 2017-05-04. Review status: criteria provided, single submitter. Criteria: EGL Classification Definitions 2015. Collection method: clinical testing. Allele origin: germline. Observed: 2 variant alleles, 2 heterozygotes.